The following is an entry in ClinVar:

ClinVar aggregate classification (germline): Uncertain significance. Review status: criteria provided, multiple submitters, no conflicts (2 of 4 stars). 2 submissions from 2 submitters: Uncertain significance (2). Last evaluated 2022-07-26.

Conditions:
PURA-related severe neonatal hypotonia-seizures-encephalopathy syndrome (NEDRIHF). Also called: PURA-Related Neurodevelopmental Disorders; NEURODEVELOPMENTAL DISORDER WITH NEONATAL RESPIRATORY INSUFFICIENCY, HYPOTONIA, AND FEEDING DIFFICULTIES. Identifiers: Orphanet 438213, Orphanet 438216, MedGen C4015357, MONDO:1060108, OMIM 616158, MONDO:0018580.

Submissions (2):

Labcorp Genetics (formerly Invitae), Labcorp
Classification: Uncertain significance for PURA-related severe neonatal hypotonia-seizures-encephalopathy syndrome. Last evaluated: 2022-07-26. Review status: criteria provided, single submitter. Criteria: Invitae Variant Classification Sherloc (09022015). Collection method: clinical testing. Allele origin: germline.
Comment: This variant has not been reported in the literature in individuals affected with PURA-related conditions. ClinVar contains an entry for this variant (Variation ID: 1685051). Algorithms developed to predict the effect of missense changes on protein structure and function are either unavailable or do not agree on the potential impact of this missense change (SIFT: "Deleterious"; PolyPhen-2: "Probably Damaging"; Align-GVGD: "Class C0"). In summary, the available evidence is currently insufficient to determine the role of this variant in disease. Therefore, it has been classified as a Variant of Uncertain Significance. This variant is not present in population databases (gnomAD no frequency). This sequence change replaces glycine, which is neutral and non-polar, with alanine, which is neutral and non-polar, at codon 92 of the PURA protein (p.Gly92Ala).

Mendelics
Classification: Uncertain significance. Last evaluated: 2022-05-04. Review status: criteria provided, single submitter. Criteria: Mendelics Assertion Criteria 2019. Collection method: clinical testing. Allele origin: germline.

NM_005859.5(PURA):c.275G>C (p.Gly92Ala)

Gene: PURA (purine rich element binding protein A; plus strand). Cytogenetic location: 5q31.3.
Variant type: single nucleotide variant.
Coding change: c.275G>C on transcript NM_005859.5 (MANE Select); coding-DNA position 275, G replaced by C.
Protein change: p.Gly92Ala; replaces glycine 92 with alanine.
Molecular consequence: missense variant.
Genome position (GRCh38, 1-based): chr5:140,114,456, G>C. VCF-style: chr5-140114456-G-C. GRCh37 (hg19) VCF-style: chr5-139494041-G-C.
Other names: short protein forms G92A.
Identifiers: ClinVar variation 1685051 (VCV001685051.6), dbSNP rs2126748878, ClinGen allele CA361490407.